The following is an entry in ClinVar:

ClinVar aggregate classification (germline): Likely pathogenic (1 of 4 stars; one submission).

Conditions:
Primary ciliary dyskinesia 3. Identifiers: Orphanet 244, MedGen C1837618, MONDO:0012085, OMIM 608644.

Submission:

Myriad Genetics, Inc.
Classification: Likely pathogenic for Primary ciliary dyskinesia 3. Last evaluated: 2022-03-20. Review status: criteria provided, single submitter. Criteria: Myriad Women's Health Autosomal Recessive and X-Linked Classification Criteria (2021). Collection method: clinical testing. Allele origin: unknown.
Comment: NM_001369.2(DNAH5):c.5489_5490del2ins12(G1830Afs*21) is expected to be pathogenic in the context of DNAH5-related primary ciliary dyskinesia. This variant is predicted to lead to an abnormal or absent protein product due to the creation of a premature termination codon in DNAH5, a gene where loss-of-function variants are known to be pathogenic. Please note: this variant was assessed in the context of healthy population screening.

NM_001369.3(DNAH5):c.5489_5490delinsCAATAAACAATC (p.Gly1830fs)

Gene: DNAH5 (dynein axonemal heavy chain 5; minus strand). Cytogenetic location: 5p15.2.
Variant type: Indel.
Coding change: c.5489_5490delinsCAATAAACAATC on transcript NM_001369.3 (MANE Select); coding-DNA positions 5489 to 5490, GA replaced by CAATAAACAATC.
Protein change: p.Gly1830fs; shifts the reading frame from glycine 1830.
Molecular consequence: frameshift variant.
Genome position (GRCh38, 1-based): chr5:13,841,125-13,841,126, TC replaced by GATTGTTTATTG on the plus strand (GA replaced by CAATAAACAATC on the coding strand, the reverse complement: DNAH5 is on the minus strand). VCF-style: chr5-13841125-TC-GATTGTTTATTG. GRCh37 (hg19) VCF-style: chr5-13841234-TC-GATTGTTTATTG.
Other names: short protein forms G1830fs.
Identifiers: ClinVar variation 1725410 (VCV001725410.2), dbSNP rs2546908896, ClinGen allele CA2580072078.